The following is an entry in ClinVar:

NM_033380.3(COL4A5):c.1208G>A (p.Gly403Glu)

Gene: COL4A5 (collagen type IV alpha 5 chain; plus strand). Cytogenetic location: Xq22.3.
Variant type: single nucleotide variant.
Coding change: c.1208G>A on transcript NM_033380.3 (MANE Select); coding-DNA position 1208, G replaced by A.
Protein change: p.Gly403Glu; replaces glycine 403 with glutamic acid.
Molecular consequence: missense variant.
Genome position (GRCh38, 1-based): chrX:108,591,100, G>A. VCF-style: chrX-108591100-G-A. GRCh37 (hg19) VCF-style: chrX-107834330-G-A.
Other names: c.1208G>A, p.Gly403Glu (NM_000495.5); short protein forms G403E.
Identifiers: ClinVar variation 2732395 (VCV002732395.3), dbSNP rs104886099, ClinGen allele CA413932302.

ClinVar aggregate classification (germline): Likely pathogenic (1 of 4 stars; one submission).

Submission:

Labcorp Genetics (formerly Invitae), Labcorp
Classification: Likely pathogenic. Last evaluated: 2024-06-26. Review status: criteria provided, single submitter. Criteria: Invitae Variant Classification Sherloc (09022015). Collection method: clinical testing. Allele origin: germline.
Comment: This sequence change replaces glycine, which is neutral and non-polar, with glutamic acid, which is acidic and polar, at codon 403 of the COL4A5 protein (p.Gly403Glu). This variant is not present in population databases (gnomAD no frequency). This variant has not been reported in the literature in individuals affected with COL4A5-related conditions. Advanced modeling of protein sequence and biophysical properties (such as structural, functional, and spatial information, amino acid conservation, physicochemical variation, residue mobility, and thermodynamic stability) performed at Invitae indicates that this missense variant is expected to disrupt COL4A5 protein function with a positive predictive value of 95%. This variant disrupts the triple helix domain of COL4A5. Glycine residues within the Gly-Xaa-Yaa repeats of the triple helix domain are required for the structure and stability of fibrillar collagens (PMID: 7695699, 8218237, 19344236). In COL4A5, missense variants at these glycine residues are significantly enriched in individuals with disease (PMID: 23720012, 27627812) compared to the general population (ExAC). In summary, the currently available evidence indicates that the variant is pathogenic, but additional data are needed to prove that conclusively. Therefore, this variant has been classified as Likely Pathogenic.

Literature cited by the submitters: PubMed 7695699; PubMed 8218237; PubMed 19344236; PubMed 23720012; PubMed 27627812.